The following is an entry in ClinVar:

NM_006946.4(SPTBN2):c.3559G>A (p.Val1187Met)

Gene: SPTBN2 (spectrin beta, non-erythrocytic 2; minus strand). Cytogenetic location: 11q13.2.
Variant type: single nucleotide variant.
Coding change: c.3559G>A on transcript NM_006946.4 (MANE Select); coding-DNA position 3559, G replaced by A.
Protein change: p.Val1187Met; replaces valine 1187 with methionine.
Molecular consequence: missense variant.
Genome position (GRCh38, 1-based): chr11:66,700,540, C>T on the plus strand (G>A on the coding strand, the complement: SPTBN2 is on the minus strand). VCF-style: chr11-66700540-C-T. GRCh37 (hg19) VCF-style: chr11-66468011-C-T.
Other names: c.3559G>A (NM_006946.2); short protein forms V1187M.
Identifiers: ClinVar variation 1380405 (VCV001380405.10), dbSNP rs369739429, ClinGen allele CA6128837.

ClinVar aggregate classification (germline): Uncertain significance. Review status: criteria provided, multiple submitters, no conflicts (2 of 4 stars). 3 submissions from 3 submitters: Uncertain significance (3). Last evaluated 2026-02-23.

Conditions:
Inborn genetic diseases. Identifiers: MedGen C0950123, MeSH D030342.

Allele frequency attached by ClinVar (database versions not stated): TOPMed 0.00003; ExAC 0.00005; ESP Exome Variant Server 0.00008.
gnomAD v4.1: 56 of 1,604,574 alleles (0.0035%); highest among the groups gnomAD compares: Middle Eastern, 0.017%; no homozygotes.

Submissions (3):

GeneDx
Classification: Uncertain significance. Last evaluated: 2026-02-23. Review status: criteria provided, single submitter. Criteria: GeneDx Variant Classification Process June 2021. Collection method: clinical testing. Allele origin: germline.
Comment: In silico analysis suggests that this missense variant does not alter protein structure/function; Has not been previously published as pathogenic or benign to our knowledge

Ambry Genetics
Classification: Uncertain significance for Inborn genetic diseases. Last evaluated: 2025-08-05. Review status: criteria provided, single submitter. Criteria: Ambry Variant Classification Scheme 2023. Collection method: clinical testing. Allele origin: germline.

Labcorp Genetics (formerly Invitae), Labcorp
Classification: Uncertain significance. Last evaluated: 2025-06-20. Review status: criteria provided, single submitter. Criteria: Invitae Variant Classification Sherloc (09022015). Collection method: clinical testing. Allele origin: germline.
Comment: This sequence change replaces valine, which is neutral and non-polar, with methionine, which is neutral and non-polar, at codon 1187 of the SPTBN2 protein (p.Val1187Met). This variant is present in population databases (rs369739429, gnomAD 0.02%). This missense change has been observed in individual(s) with autosomal dominant spinocerebellar ataxia (internal data). ClinVar contains an entry for this variant (Variation ID: 1380405). Invitae Evidence Modeling of protein sequence and biophysical properties (such as structural, functional, and spatial information, amino acid conservation, physicochemical variation, residue mobility, and thermodynamic stability) indicates that this missense variant is not expected to disrupt SPTBN2 protein function with a negative predictive value of 80%. In summary, the available evidence is currently insufficient to determine the role of this variant in disease. Therefore, it has been classified as a Variant of Uncertain Significance.